The following is an entry in ClinVar:

ClinVar aggregate classification (germline): Uncertain significance. Review status: criteria provided, multiple submitters, no conflicts (2 of 4 stars). 2 submissions from 2 submitters: Uncertain significance (2). Last evaluated 2025-10-01.

Submissions (2):

GeneDx
Classification: Uncertain significance. Last evaluated: 2025-10-01. Review status: criteria provided, single submitter. Criteria: GeneDx Variant Classification Process June 2021. Collection method: clinical testing. Allele origin: germline. Affected: yes.
Comment: Identified in a patient with glaucoma in published literature (PMID: 24825108); Reported as likely benign in published literature (PMID: 33884488); In-frame deletion of 1 amino acid in a non-repeat region; Not observed at significant frequency in large population cohorts (gnomAD); In silico analysis supports a deleterious effect on protein structure/function; Reported using an alternate transcript of the gene; This variant is associated with the following publications: (PMID: 33884488, 24825108)

Labcorp Genetics (formerly Invitae), Labcorp
Classification: Uncertain significance. Last evaluated: 2024-04-22. Review status: criteria provided, single submitter. Criteria: Invitae Variant Classification Sherloc (09022015). Collection method: clinical testing. Allele origin: germline.
Comment: The OPA1 gene has multiple clinically relevant transcripts. This variant occurs in alternate transcript NM_130837.2, and corresponds to NM_015560.2:c.625-5487_625-5485del in the primary transcript. This variant, c.712_714del, results in the deletion of 1 amino acid(s) of the OPA1 protein (p.Gln238del), but otherwise preserves the integrity of the reading frame. This variant is present in population databases (rs759897040, gnomAD 0.05%). This variant has been observed in individual(s) with clinical features of OPA1-related conditions (PMID: 24825108). This variant is also known as c.658_660del, p.Q219_I221del. Algorithms developed to predict the effect of sequence changes on RNA splicing suggest that this variant is not likely to affect RNA splicing. In summary, the available evidence is currently insufficient to determine the role of this variant in disease. Therefore, it has been classified as a Variant of Uncertain Significance.

Literature cited by the submitters: PubMed 24825108 (cited by Labcorp Genetics (formerly Invitae), Labcorp).

NM_130837.3(OPA1):c.706CAA[2] (p.Gln238del)

Genes: OPA1 (OPA1 mitochondrial dynamin like GTPase; plus strand), OPA1-AS1 (OPA1 antisense RNA 1; minus strand). Cytogenetic location: 3q29.
Variant type: Microsatellite.
Coding change: c.706CAA[2] on transcript NM_130837.3 (MANE Select); two copies in a row of the 3-base unit CAA starting at c.706; the reference has three copies in a row; one copy, 3 bases deleted.
Protein change: p.Gln238del; deletes glutamine 238.
Molecular consequence: inframe deletion. On other transcripts: intron variant (5).
Genome position (GRCh38, 1-based): chr3:193,626,125-193,626,127, CAA deleted; deleting any 3 consecutive bases within chr3:193,626,118-193,626,127 gives the same sequence; the position shown is the placement nearest the transcript's 3' end. VCF-style (leftmost placement, unchanged base first): chr3-193626117-TACA-T. GRCh37 (hg19) VCF-style: chr3-193343906-TACA-T.
Other names: c.172CAA[2], p.Gln60del (NM_001354663.2); c.544CAA[2], p.Gln184del (NM_130833.3); c.598CAA[2], p.Gln202del (NM_130835.3); c.652CAA[2], p.Gln220del (NM_130836.3); c.253-5494ACA[2] (NM_001354664.2); c.679-5494ACA[2] (NM_130834.3); c.625-5494ACA[2] (NM_015560.3); c.571-5494ACA[2] (NM_130832.3); and 1 more; short protein forms Q184del, Q202del, Q220del, Q238del, Q60del.
Identifiers: ClinVar variation 2203472 (VCV002203472.5), dbSNP rs759897040, ClinGen allele CA2759119.